The following is an entry in ClinVar:

ClinVar aggregate classification (germline): Likely benign (1 of 4 stars; one submission).

Conditions:
PLXNA1-related disorder. Also called: PLXNA1-related condition.

gnomAD v4.1: 129 of 1,610,800 alleles (0.008%); highest among the groups gnomAD compares: South Asian, 0.12%; 1 homozygote.

Submission:

PreventionGenetics, part of Exact Sciences
Classification: Likely benign for PLXNA1-related condition. Last evaluated: 2025-03-14. Review status: criteria provided, single submitter. Criteria: ACMG Guidelines, 2015. Collection method: clinical testing. Allele origin: germline.
Comment: This variant is classified as likely benign based on ACMG/AMP sequence variant interpretation guidelines (Richards et al. 2015 PMID: 25741868, with internal and published modifications).

NM_032242.4(PLXNA1):c.1898-6G>A

Gene: PLXNA1 (plexin A1; plus strand). Cytogenetic location: 3q21.3.
Variant type: single nucleotide variant.
Coding change: c.1898-6G>A on transcript NM_032242.4 (MANE Select); 6 bases into the intron before coding-DNA position 1898, G replaced by A.
Molecular consequence: intron variant.
Genome position (GRCh38, 1-based): chr3:127,006,073, G>A. VCF-style: chr3-127006073-G-A. GRCh37 (hg19) VCF-style: chr3-126724916-G-A.
Identifiers: ClinVar variation 4983812 (VCV004983812.1).
Genomic context (GRCh38, chr3:127,006,073, plus strand): 5'-TGGACTTGCCCTGTGTGGGAGTCCTGGGCAAGCAGTCCTGGTGACTCAGCCATGCTGCTC[G>A]TGCAGGAGACCAGCGGGTGGTGAAACTCTACCTAAAGTCCAAGGAGACAGGGAAGAAGTT-3'